The following is an entry in ClinVar:

ClinVar aggregate classification (germline): Likely benign. Review status: criteria provided, multiple submitters, no conflicts (2 of 4 stars). 3 submissions from 3 submitters: Likely benign (3). Last evaluated 2025-04-29.

Conditions:
VCAN-related disorder. Also called: VCAN-related condition.

Allele frequency attached by ClinVar (database versions not stated): gnomAD 0.00001; gnomAD exomes 0.00001; ExAC 0.00002.
gnomAD v4.1: 9 of 1,613,736 alleles (0.00056%); highest among the groups gnomAD compares: Non-Finnish European, 0.00076%; no homozygotes.

Submissions (3):

PreventionGenetics, part of Exact Sciences
Classification: Likely benign for VCAN-related condition. Last evaluated: 2025-04-29. Review status: criteria provided, single submitter. Criteria: ACMG Guidelines, 2015. Collection method: clinical testing. Allele origin: germline.
Comment: This variant is classified as likely benign based on ACMG/AMP sequence variant interpretation guidelines (Richards et al. 2015 PMID: 25741868, with internal and published modifications).

Blueprint Genetics
Classification: Likely benign. Last evaluated: 2024-08-05. Review status: criteria provided, single submitter. Criteria: ACMG Guidelines, 2015. Collection method: clinical testing. Allele origin: germline.

Labcorp Genetics (formerly Invitae), Labcorp
Classification: Likely benign. Last evaluated: 2024-01-02. Review status: criteria provided, single submitter. Criteria: Invitae Variant Classification Sherloc (09022015). Collection method: clinical testing. Allele origin: germline.

NM_004385.5(VCAN):c.8223G>A (p.Leu2741=)

Genes: VCAN (versican; plus strand), VCAN-AS1 (VCAN antisense RNA 1; minus strand). Cytogenetic location: 5q14.3.
Variant type: single nucleotide variant.
Coding change: c.8223G>A on transcript NM_004385.5 (MANE Select); coding-DNA position 8223, G replaced by A.
Protein change: p.Leu2741=; no amino-acid change (leucine 2741 retained).
Molecular consequence: synonymous variant. On other transcripts: intron variant (2).
Genome position (GRCh38, 1-based): chr5:83,541,226, G>A. VCF-style: chr5-83541226-G-A. GRCh37 (hg19) VCF-style: chr5-82837045-G-A.
Other names: c.5262G>A, p.Leu1754= (NM_001164097.2); c.4004-4311G>A (NM_001164098.2); c.1043-4311G>A (NM_001126336.3).
Identifiers: ClinVar variation 936880 (VCV000936880.10), dbSNP rs762244250, ClinGen allele CA3333773.
Genomic context (GRCh38, chr5:83,541,226, plus strand): 5'-ATCAAGCACTTTGTCTGATGGTCAAGCTATTGCAGACCAAAGTGAAATAATACCAACATT[G>A]GGCCAATTTGAAAGGACTCAGGAGGAGTATGAAGACAAAAAACATGCTGGTCCTTCTTTT-3'
Protein context (NP_004376.2, residues 2731-2751): IADQSEIIPT[Leu2741=]GQFERTQEEY